The following is an entry in ClinVar:

NM_206933.4(USH2A):c.5167+4A>G

Genes: USH2A (usherin; minus strand), USH2A-AS2 (USH2A antisense RNA 2; plus strand). Cytogenetic location: 1q41.
Variant type: single nucleotide variant.
Coding change: c.5167+4A>G on transcript NM_206933.4 (MANE Select); 4 bases into the intron after coding-DNA position 5167, A replaced by G.
Molecular consequence: intron variant.
Genome position (GRCh38, 1-based): chr1:216,084,694, T>C on the plus strand (A>G on the coding strand, the complement: USH2A is on the minus strand). VCF-style: chr1-216084694-T-C. GRCh37 (hg19) VCF-style: chr1-216258036-T-C.
Identifiers: ClinVar variation 48530 (VCV000048530.15), dbSNP rs397518019, ClinGen allele CA143513.

ClinVar aggregate classification (germline): Uncertain significance. Review status: criteria provided, multiple submitters, no conflicts (2 of 4 stars). 6 submissions from 5 submitters: Uncertain significance (4). 2 of the submissions do not count toward it. Last evaluated 2023-04-11.

Conditions:
Retinitis pigmentosa (RP). Identifiers: Orphanet 791, MedGen C0035334, MeSH D012174, MONDO:0019200, OMIM 268000. Inheritance: Autosomal dominant, autosomal recessive and X linked inheritance.
Retinitis pigmentosa 39 (RP39). Identifiers: Orphanet 791, MedGen C3151138, MONDO:0013436, OMIM 613809.
Usher syndrome type 2A. Also called: RETINAL DISEASE IN USHER SYNDROME TYPE IIA, MODIFIER OF; USHER SYNDROME, TYPE IIA. Identifiers: Orphanet 231178, Orphanet 886, MedGen C1848634, MONDO:0010169, OMIM 276901.

Allele frequency attached by ClinVar (database versions not stated): gnomAD exomes below 0.00001.
gnomAD v4.1: 1 of 1,612,690 alleles (0.000062%); highest among the groups gnomAD compares: Non-Finnish European, 0.000085%; no homozygotes.

Submissions (6):

Genome-Nilou Lab
Classification: Uncertain significance for Retinitis pigmentosa 39. Last evaluated: 2023-04-11. Review status: criteria provided, single submitter. Criteria: ACMG Guidelines, 2015. Collection method: clinical testing. Allele origin: germline. Affected: no.

Genome-Nilou Lab
Classification: Uncertain significance for Usher syndrome type 2A. Last evaluated: 2023-04-11. Review status: criteria provided, single submitter. Criteria: ACMG Guidelines, 2015. Collection method: clinical testing. Allele origin: germline. Affected: no.

Labcorp Genetics (formerly Invitae), Labcorp
Classification: Uncertain significance. Last evaluated: 2022-11-01. Review status: criteria provided, single submitter. Criteria: Invitae Variant Classification Sherloc (09022015). Collection method: clinical testing. Allele origin: germline.
Comment: This variant is not present in population databases (gnomAD no frequency). In summary, the available evidence is currently insufficient to determine the role of this variant in disease. Therefore, it has been classified as a Variant of Uncertain Significance. Variants that disrupt the consensus splice site are a relatively common cause of aberrant splicing (PMID: 17576681, 9536098). Algorithms developed to predict the effect of sequence changes on RNA splicing suggest that this variant may disrupt the consensus splice site. ClinVar contains an entry for this variant (Variation ID: 48530). This variant has not been reported in the literature in individuals affected with USH2A-related conditions. This sequence change falls in intron 25 of the USH2A gene. It does not directly change the encoded amino acid sequence of the USH2A protein. It affects a nucleotide within the consensus splice site.

Laboratory for Molecular Medicine, Mass General Brigham Personalized Medicine
Classification: Uncertain significance. Last evaluated: 2012-04-30. Review status: criteria provided, single submitter. Criteria: LMM Criteria. Collection method: clinical testing. Allele origin: germline. Observed: 1 variant allele.
Comment: The 5167+4A>G variant (USH2A) has not been reported in the literature nor previo usly identified by our laboratory. This variant is located in the 5' splice regi on and computational tools predict that the variant could alter splicing. Howeve r, this information is not predictive enough to assume pathogenicity. Additional information is needed to fully assess the clinical significance of the 5167+4A> G variant.

Natera, Inc.
Classification: Uncertain significance for Usher syndrome type 2A. Last evaluated: 2021-10-06. Review status: no assertion criteria provided. Collection method: clinical testing. Allele origin: germline. Not counted in ClinVar's aggregate classification.

Department of Clinical Genetics, Copenhagen University Hospital, Rigshospitalet
Classification: Uncertain significance for Retinitis pigmentosa. Last evaluated: 2018-04-01. Review status: no assertion criteria provided. Collection method: research. Allele origin: unknown. Affected: yes. Study: VeluxRD. Not counted in ClinVar's aggregate classification.

Literature cited by the submitters: PubMed 17576681 (cited by Labcorp Genetics (formerly Invitae), Labcorp); PubMed 9536098 (cited by Labcorp Genetics (formerly Invitae), Labcorp); PubMed 30718709 (cited by Department of Clinical Genetics, Copenhagen University Hospital, Rigshospitalet).